The following is an entry in ClinVar:

NM_000059.4(BRCA2):c.8536G>T (p.Glu2846Ter)

Gene: BRCA2 (BRCA2 DNA repair associated; plus strand). Cytogenetic location: 13q13.1.
Variant type: single nucleotide variant.
Coding change: c.8536G>T on transcript NM_000059.4 (MANE Select); coding-DNA position 8536, G replaced by T.
Protein change: p.Glu2846Ter; replaces glutamic acid 2846 with a stop codon.
Molecular consequence: nonsense.
Genome position (GRCh38, 1-based): chr13:32,371,004, G>T. VCF-style: chr13-32371004-G-T. GRCh37 (hg19) VCF-style: chr13-32945141-G-T.
Other names: 8764G>T; short protein forms E2846*.
Identifiers: ClinVar variation 267096 (VCV000267096.10), dbSNP rs886040781, ClinGen allele CA10589506.
Genomic context (GRCh38, chr13:32,371,004, plus strand): 5'-ACATTATTACAGTGGATGGAGAAGACATCATCTGGATTATACATATTTCGCAATGAAAGA[G>T]AGGAAGAAAAGGAAGCAGCAAAATATGTGGAGGCCCAACAAAAGAGACTAGAAGCCTTAT-3'

ClinVar aggregate classification (germline): Pathogenic. Review status: reviewed by expert panel (3 of 4 stars). 4 submissions from 4 submitters: Pathogenic (1). 3 of the submissions do not count toward it. Last evaluated 2016-10-18.

Conditions:
Breast-ovarian cancer, familial, susceptibility to, 2 (BROVCA2). Also called: BRCA2 Hereditary Breast and Ovarian Cancer. Identifiers: Orphanet 145, MedGen C2675520, MONDO:0012933, OMIM 612555. Disease mechanism: loss of function.
Hereditary breast ovarian cancer syndrome. Also called: BRCA1- and BRCA2-Associated Hereditary Breast and Ovarian Cancer; Hereditary breast and ovarian cancer; Breast and ovarian cancer; Hereditary breast and/or ovarian cancer syndrome; Hereditary breast and ovarian cancer syndrome; Hereditary breast and ovarian cancer syndrome (HBOC). Identifiers: Orphanet 145, MedGen C0677776, MeSH D061325, MONDO:0003582. Disease mechanism: loss of function.

Submissions (4):

Evidence-based Network for the Interpretation of Germline Mutant Alleles (ENIGMA)
Classification: Pathogenic for Breast-ovarian cancer, familial, susceptibility to, 2. Last evaluated: 2016-10-18. Review status: reviewed by expert panel. Criteria: ENIGMA BRCA1/2 Classification Criteria (2015). Collection method: curation. Allele origin: germline.
Comment: Variant allele predicted to encode a truncated non-functional protein.

Center for Genomic Medicine, Rigshospitalet, Copenhagen University Hospital
Classification: Pathogenic. Last evaluated: 2025-03-04. Review status: criteria provided, single submitter. Criteria: ACMG Guidelines, 2015. Collection method: clinical testing. Allele origin: germline. Not counted in ClinVar's aggregate classification.

Labcorp Genetics (formerly Invitae), Labcorp
Classification: Pathogenic for Hereditary breast ovarian cancer syndrome. Last evaluated: 2024-06-19. Review status: criteria provided, single submitter. Criteria: Invitae Variant Classification Sherloc (09022015). Collection method: clinical testing. Allele origin: germline. Not counted in ClinVar's aggregate classification.
Comment: This sequence change creates a premature translational stop signal (p.Glu2846*) in the BRCA2 gene. It is expected to result in an absent or disrupted protein product. Loss-of-function variants in BRCA2 are known to be pathogenic (PMID: 20104584). This variant is not present in population databases (gnomAD no frequency). This variant has not been reported in the literature in individuals affected with BRCA2-related conditions. ClinVar contains an entry for this variant (Variation ID: 267096). Algorithms developed to predict the effect of sequence changes on RNA splicing suggest that this variant may disrupt the consensus splice site. For these reasons, this variant has been classified as Pathogenic.

Consortium of Investigators of Modifiers of BRCA1/2 (CIMBA), c/o University of Cambridge
Classification: Pathogenic for Breast-ovarian cancer, familial, susceptibility to, 2. Last evaluated: 2015-10-02. Review status: criteria provided, single submitter. Criteria: CIMBA Mutation Classification guidelines May 2016. Collection method: clinical testing. Allele origin: germline. Not counted in ClinVar's aggregate classification.

Literature cited by the submitters: PubMed 20104584 (cited by Labcorp Genetics (formerly Invitae), Labcorp).